The following is an entry in ClinVar:

ClinVar aggregate classification (germline): Likely pathogenic (1 of 4 stars; one submission).

Conditions:
KBG syndrome (KBGS). Also called: ANKRD11-Related KBG Syndrome. Identifiers: Orphanet 2332, MedGen C0220687, MONDO:0007846, OMIM 148050.

Submission:

Umrani?ye Training and Research Hospital
Classification: Likely pathogenic for KBG syndrome. Last evaluated: 2026-07-13. Review status: criteria provided, single submitter. Criteria: ACMG Guidelines, 2015. Collection method: clinical testing. Allele origin: inherited. Inheritance: Autosomal dominant inheritance. Affected: yes. Observed: 1 variant allele.
Comment: PVS1 (very strong): NM_013275.4:c.3771_3772insC is a single-nucleotide insertion in exon 9 of ANKRD11 that shifts the reading frame and creates a premature termination codon, NP_037407.4:p.(Glu1258ArgfsTer25). The premature stop lies in a large internal coding exon, well upstream of the final exon-exon junction, so the transcript is predicted to undergo nonsense-mediated decay; loss of function is the established disease mechanism for ANKRD11-related KBG syndrome (MIM 148050), in which truncating variants predominate (PMID:21782149). PM2 (supporting): the variant is absent from gnomAD v4 (GRCh38) and was not found in ClinVar, dbSNP or LitVar2; it has not been reported previously. Criteria not applied: PS2, because the variant is inherited rather than de novo, and PS4, because no unrelated affected individuals carrying this variant have been reported. Applying the ClinGen Bayesian point-based implementation of the ACMG/AMP 2015 criteria (PVS1_VeryStrong, 8 points; PM2_Supporting, 1 point; total 9 points), the variant is classified as Likely pathogenic.

Literature cited by the submitters: PubMed 21782149; PubMed 42808190.

NM_013275.6(ANKRD11):c.3771_3772insC (p.Glu1258fs)

Gene: ANKRD11 (ankyrin repeat domain 11; minus strand). Cytogenetic location: 16q24.3.
Variant type: Insertion.
Coding change: c.3771_3772insC on transcript NM_013275.6 (MANE Select); coding-DNA positions 3771 to 3772, C inserted.
Protein change: p.Glu1258fs; shifts the reading frame from glutamic acid 1258.
Molecular consequence: frameshift variant.
Genome position: GRCh38 VCF-style: chr16-89282770-C-CG. GRCh37 (hg19) VCF-style: chr16-89349178-C-CG.
Other names: NP_037407.4:p.(Glu1258ArgfsTer25); c.3771_3772insC, p.Glu1258fs (NM_001256182.2, NM_001256183.2); short protein forms E1258fs.
Identifiers: ClinVar variation 4886756 (VCV004886756.1).